The following is an entry in ClinVar:

NM_014946.4(SPAST):c.928A>T (p.Lys310Ter)

Gene: SPAST (spastin; plus strand). Cytogenetic location: 2p22.3.
Variant type: single nucleotide variant.
Coding change: c.928A>T on transcript NM_014946.4 (MANE Select); coding-DNA position 928, A replaced by T.
Protein change: p.Lys310Ter; replaces lysine 310 with a stop codon.
Molecular consequence: nonsense.
Genome position (GRCh38, 1-based): chr2:32,115,759, A>T. VCF-style: chr2-32115759-A-T. GRCh37 (hg19) VCF-style: chr2-32340828-A-T.
Other names: c.925A>T, p.Lys309Ter (NM_001363823.2); c.829A>T, p.Lys277Ter (NM_001363875.2); c.832A>T, p.Lys278Ter (NM_001377959.1, NM_199436.2); short protein forms K277*, K309*, K278*, K310*.
Identifiers: ClinVar variation 943590 (VCV000943590.10), dbSNP rs1678806430, ClinGen allele CA346499194.

ClinVar aggregate classification (germline): Pathogenic. Review status: criteria provided, multiple submitters, no conflicts (2 of 4 stars). 2 submissions from 2 submitters: Pathogenic (2). Last evaluated 2020-04-10.

Conditions:
Hereditary spastic paraplegia 4. Also called: Spastic paraplegia 4, autosomal dominant; Spastic Paraplegia 4; Familial spastic paraplegia autosomal dominant 2. Identifiers: Orphanet 100985, MedGen C1866855, MONDO:0008438, OMIM 182601.

Submissions (2):

Athena Diagnostics
Classification: Pathogenic. Last evaluated: 2020-04-10. Review status: criteria provided, single submitter. Criteria: Athena Diagnostics Criteria. Collection method: clinical testing. Allele origin: unknown.
Comment: The variant creates a premature nonsense codon, and is therefore predicted to result in the loss of a functional protein. Found in at least one patient with expected phenotype for this gene, and not found in general population data.

Labcorp Genetics (formerly Invitae), Labcorp
Classification: Pathogenic for Hereditary spastic paraplegia 4. Last evaluated: 2019-08-06. Review status: criteria provided, single submitter. Criteria: Invitae Variant Classification Sherloc (09022015). Collection method: clinical testing. Allele origin: germline.
Comment: For these reasons, this variant has been classified as Pathogenic. Loss-of-function variants in SPAST are known to be pathogenic (PMID: 20932283). This variant has been observed in an individual affected with hereditary spastic paraplegia (PMID: 27334366). This variant is not present in population databases (ExAC no frequency). This sequence change creates a premature translational stop signal (p.Lys310*) in the SPAST gene. It is expected to result in an absent or disrupted protein product.

Literature cited by the submitters: PubMed 27334366 (cited by Athena Diagnostics and Labcorp Genetics (formerly Invitae), Labcorp); PubMed 20932283 (cited by Labcorp Genetics (formerly Invitae), Labcorp).